The following is an entry in ClinVar:

NM_018706.7(DHTKD1):c.232A>G (p.Thr78Ala)

Gene: DHTKD1 (dehydrogenase E1 and transketolase domain containing 1; plus strand). Cytogenetic location: 10p14.
Variant type: single nucleotide variant.
Coding change: c.232A>G on transcript NM_018706.7 (MANE Select); coding-DNA position 232, A replaced by G.
Protein change: p.Thr78Ala; replaces threonine 78 with alanine.
Molecular consequence: missense variant.
Genome position (GRCh38, 1-based): chr10:12,081,549, A>G. VCF-style: chr10-12081549-A-G. GRCh37 (hg19) VCF-style: chr10-12123548-A-G.
Other names: short protein forms T78A.
Identifiers: ClinVar variation 2440761 (VCV002440761.6), dbSNP rs759441452, ClinGen allele CA5407475.

ClinVar aggregate classification (germline): Uncertain significance. Review status: criteria provided, multiple submitters, no conflicts (2 of 4 stars). 2 submissions from 2 submitters: Uncertain significance (2). Last evaluated 2023-09-12.

Conditions:
2-aminoadipic 2-oxoadipic aciduria (AAKAD). Also called: ALPHA-AMINOADIPIC AND ALPHA-KETOADIPIC ACIDURIA; Aminoadipic aciduria. Identifiers: Orphanet 79154, MedGen C1859817, MONDO:0008774, OMIM 204750.

Allele frequency attached by ClinVar (database versions not stated): ExAC 0.00001; gnomAD 0.00001; TOPMed 0.00002.
gnomAD v4.1: 2 of 1,613,954 alleles (0.00012%); highest among the groups gnomAD compares: African/African-American, 0.0027%; no homozygotes.

Submissions (2):

Labcorp Genetics (formerly Invitae), Labcorp
Classification: Uncertain significance for 2-aminoadipic 2-oxoadipic aciduria. Last evaluated: 2023-09-12. Review status: criteria provided, single submitter. Criteria: Invitae Variant Classification Sherloc (09022015). Collection method: clinical testing. Allele origin: germline.
Comment: Advanced modeling of protein sequence and biophysical properties (such as structural, functional, and spatial information, amino acid conservation, physicochemical variation, residue mobility, and thermodynamic stability) performed at Invitae indicates that this missense variant is not expected to disrupt DHTKD1 protein function. ClinVar contains an entry for this variant (Variation ID: 2440761). This variant has not been reported in the literature in individuals affected with DHTKD1-related conditions. This variant is present in population databases (rs759441452, gnomAD 0.007%). This sequence change replaces threonine, which is neutral and polar, with alanine, which is neutral and non-polar, at codon 78 of the DHTKD1 protein (p.Thr78Ala). In summary, the available evidence is currently insufficient to determine the role of this variant in disease. Therefore, it has been classified as a Variant of Uncertain Significance.

Revvity Omics, Revvity
Classification: Uncertain significance. Last evaluated: 2022-10-30. Review status: criteria provided, single submitter. Criteria: ACMG Guidelines, 2015. Collection method: clinical testing. Allele origin: germline.